The following is an entry in ClinVar:

ClinVar aggregate classification (germline): Conflicting classifications of pathogenicity. Review status: criteria provided, conflicting classifications (1 of 4 stars). 14 submissions from 14 submitters: Uncertain significance (9); Likely benign (2). 3 of the submissions do not count toward it. Last evaluated 2025-12-15.

Conditions:
BRCA2-related disorder. Also called: BRCA2-related condition; BRCA2-related disorders. Identifiers: MedGen CN239275.
Breast-ovarian cancer, familial, susceptibility to, 2 (BROVCA2). Also called: BRCA2 Hereditary Breast and Ovarian Cancer. Identifiers: Orphanet 145, MedGen C2675520, MONDO:0012933, OMIM 612555. Disease mechanism: loss of function.
Fanconi anemia complementation group D1. Also called: BRCA2-Related Fanconi Anemia. Identifiers: Orphanet 319462, MedGen C1838457, MONDO:0011584, OMIM 605724.
Medulloblastoma (MDB). Also called: MEDULLOBLASTOMA PREDISPOSITION SYNDROME; Medulloblastoma, somatic. Identifiers: Orphanet 616, MedGen C0025149, MeSH D008527, MONDO:0007959, OMIM 155255, HP:0002885.
Pancreatic cancer, susceptibility to, 2. Identifiers: Orphanet 1333, MedGen C3150546, MONDO:0013235, OMIM 613347.
Glioma susceptibility 3 (GLM3). Also called: Glioblastoma 3. Identifiers: Orphanet 182067, Orphanet 360, MedGen C2751641, MONDO:0013093, OMIM 613029.
Wilms tumor 1 (WT1). Also called: Wilms tumor, somatic. Identifiers: Orphanet 654, MedGen CN033288, MONDO:0008679, OMIM 194070.
Familial cancer of breast. Also called: hereditary breast carcinoma; BREAST CANCER, FAMILIAL; Hereditary breast cancer. Identifiers: Orphanet 227535, MedGen C0346153, MONDO:0016419, OMIM 114480. Disease mechanism: loss of function.
Prostate cancer. Also called: Malignant tumor of prostate. Identifiers: Orphanet 1331, MedGen C0376358, MONDO:0008315, HP:0012125.
Hereditary cancer-predisposing syndrome. Also called: Hereditary Cancer Syndrome; Neoplastic Syndromes, Hereditary; Hereditary neoplastic syndrome; Tumor predisposition. Identifiers: Orphanet 140162, MedGen C0027672, MeSH D009386, MONDO:0015356.
Hereditary breast ovarian cancer syndrome. Also called: Hereditary breast and ovarian cancer syndrome; Breast and ovarian cancer; Hereditary breast and ovarian cancer syndrome (HBOC); BRCA1- and BRCA2-Associated Hereditary Breast and Ovarian Cancer; Hereditary breast and/or ovarian cancer syndrome; Hereditary breast and ovarian cancer. Identifiers: Orphanet 145, MedGen C0677776, MeSH D061325, MONDO:0003582. Disease mechanism: loss of function.

Allele frequency attached by ClinVar (database versions not stated): ExAC 0.00002.
gnomAD v4.1: 21 of 1,614,102 alleles (0.0013%); highest among the groups gnomAD compares: Non-Finnish European, 0.0017%; no homozygotes.

Submissions 1 to 7 of 14:

Labcorp Genetics (formerly Invitae), Labcorp
Classification: Uncertain significance for Hereditary breast ovarian cancer syndrome. Last evaluated: 2025-12-15. Review status: criteria provided, single submitter. Criteria: Invitae Variant Classification Sherloc (09022015). Collection method: clinical testing. Allele origin: germline.
Comment: This sequence change replaces serine, which is neutral and polar, with glycine, which is neutral and non-polar, at codon 749 of the BRCA2 protein (p.Ser749Gly). This variant is present in population databases (rs80358495, gnomAD 0.002%). This missense change has been observed in individual(s) with breast cancer and gastric cancer (PMID: 25348012, 26689913, 32426482). ClinVar contains an entry for this variant (Variation ID: 51259). Invitae Evidence Modeling of protein sequence and biophysical properties (such as structural, functional, and spatial information, amino acid conservation, physicochemical variation, residue mobility, and thermodynamic stability) indicates that this missense variant is not expected to disrupt BRCA2 protein function with a negative predictive value of 95%. In summary, the available evidence is currently insufficient to determine the role of this variant in disease. Therefore, it has been classified as a Variant of Uncertain Significance.

Quest Diagnostics Nichols Institute San Juan Capistrano
Classification: Uncertain significance. Last evaluated: 2025-11-06. Review status: criteria provided, single submitter. Criteria: Quest Diagnostics criteria. Collection method: clinical testing. Allele origin: unknown.
Comment: The BRCA2 c.2245A>G (p.Ser749Gly) variant has been reported in the published literature in individuals with breast cancer (PMID: 33471991 (2021), 33113089 (2021), see also LOVD), gastric cancer (PMID: 26689913 (2015)), and is described to be located in a region of the BRCA2 gene that is tolerant to missense sequence changes (PMID: 31911673 (2020)). The frequency of this variant in the general population (Genome Aggregation Database) is uninformative in the assessment of its pathogenicity. Analysis of this variant using bioinformatics tools for the prediction of the effect of amino acid changes on protein structure and function yielded predictions that this variant is benign. Based on the available information, we are unable to determine the clinical significance of this variant.

Women's Health and Genetics/Laboratory Corporation of America, LabCorp
Classification: Uncertain significance. Last evaluated: 2025-09-15. Review status: criteria provided, single submitter. Criteria: LabCorp Variant Classification Summary - May 2015. Collection method: clinical testing. Allele origin: germline.
Comment: Variant summary: BRCA2 c.2245A>G (p.Ser749Gly) results in a non-conservative amino acid change in the encoded protein sequence. Algorithms developed to predict the effect of missense changes on protein structure and function are either unavailable or do not agree on the potential impact of this missense change. The variant allele was found at a frequency of 4e-06 in 251286 control chromosomes (gnomAD). The available data on variant occurrences in the general population are insufficient to allow any conclusion about variant significance. c.2245A>G has been reported in the literature in individuals affected with gastric cancer and breast cancer (examples: Lu_2015, Suzuki_2020, Lattimore_2021). These reports do not provide unequivocal conclusions about association of the variant with Hereditary Breast And Ovarian Cancer Syndrome. To our knowledge, no experimental evidence demonstrating an impact on protein function has been reported. The following publications have been ascertained in the context of this evaluation (PMID: 33113089, 26689913, 32426482). ClinVar contains an entry for this variant (Variation ID: 51259). Based on the evidence outlined above, the variant was classified as uncertain significance.

PreventionGenetics, part of Exact Sciences
Classification: Uncertain significance for BRCA2-related condition. Last evaluated: 2024-12-30. Review status: criteria provided, single submitter. Criteria: ACMG Guidelines, 2015. Collection method: clinical testing. Allele origin: germline.
Comment: The BRCA2 c.2245A>G variant is predicted to result in the amino acid substitution p.Ser749Gly. This variant (also known as 2473A>G) was reported in individuals with a history of gastric and breast cancers (Suzuki et al 2020. PubMed ID: 32426482; Supplementary Table 3, Lattimore et al. 2020. PubMed ID: 33113089; Supplementary Data 14, Lu et al. 2015. PubMed ID: 26689913). This variant is reported in 0.00088% of alleles in individuals of European (Non-Finnish) descent in gnomAD. In ClinVar, this variant has conflicting interpretations, ranging from 'likely benign' to 'uncertain'. At this time, the clinical significance of this variant is uncertain due to the absence of conclusive functional and genetic evidence.

Ambry Genetics
Classification: Likely benign for Hereditary cancer-predisposing syndrome. Last evaluated: 2024-10-17. Review status: criteria provided, single submitter. Criteria: Ambry Variant Classification Scheme 2023. Collection method: clinical testing. Allele origin: germline.

Color Diagnostics, LLC DBA Color Health
Classification: Uncertain significance for Hereditary cancer-predisposing syndrome. Last evaluated: 2024-06-03. Review status: criteria provided, single submitter. Criteria: ACMG Guidelines, 2015. Collection method: clinical testing. Allele origin: germline.
Comment: This missense variant replaces serine with glycine at codon 749 of the BRCA2 protein. Computational prediction suggests that this variant may not impact protein structure and function. To our knowledge, functional studies have not been performed for this variant. This variant has been reported individuals affected with breast cancer (PMID: 33113089, 33471991; Leiden Open Variation Database DB-ID BRCA2_001704) and in individuals affected with stomach adenocarcinoma or gastric cancer (PMID: 26689913, 32426482). This variant has been identified in 1/251286 chromosomes in the general population by the Genome Aggregation Database (gnomAD). The available evidence is insufficient to determine the role of this variant in disease conclusively. Therefore, this variant is classified as a Variant of Uncertain Significance.

All of Us Research Program, National Institutes of Health
Classification: Uncertain significance for Breast-ovarian cancer, familial, susceptibility to, 2. Last evaluated: 2023-11-30. Review status: criteria provided, single submitter. Criteria: ACMG Guidelines, 2015. Collection method: clinical testing. Allele origin: germline. Inheritance: Autosomal dominant inheritance. Observed: 3 variant alleles, 3 heterozygotes.
Comment: This missense variant replaces serine with glycine at codon 749 of the BRCA2 protein. Computational prediction suggests that this variant may not impact protein structure and function (internally defined REVEL score threshold <= 0.5, PMID: 27666373). To our knowledge, functional studies have not been performed for this variant. This variant has been reported individuals affected with breast cancer (PMID: 33113089, 33471991; Leiden Open Variation Database DB-ID BRCA2_001704) and in individuals affected with stomach adenocarcinoma or gastric cancer (PMID: 26689913, 32426482). This variant has been identified in 1/251286 chromosomes in the general population by the Genome Aggregation Database (gnomAD). The available evidence is insufficient to determine the role of this variant in disease conclusively. Therefore, this variant is classified as a Variant of Uncertain Significance.

This study involves interpretation of variants in research participants for the purpose of population health screening. Participant phenotype was not available at the time of variant classification. Additional details can be found in publication PMID: 35346344, PMCID: PMC8962531

NM_000059.4(BRCA2):c.2245A>G (p.Ser749Gly)

Gene: BRCA2 (BRCA2 DNA repair associated; plus strand). Cytogenetic location: 13q13.1.
Variant type: single nucleotide variant.
Coding change: c.2245A>G on transcript NM_000059.4 (MANE Select); coding-DNA position 2245, A replaced by G.
Protein change: p.Ser749Gly; replaces serine 749 with glycine.
Molecular consequence: missense variant.
Genome position (GRCh38, 1-based): chr13:32,336,600, A>G. VCF-style: chr13-32336600-A-G. GRCh37 (hg19) VCF-style: chr13-32910737-A-G.
Other names: short protein forms S749G.
Identifiers: ClinVar variation 51259 (VCV000051259.37), dbSNP rs80358495, ClinGen allele CA014730.
Genomic context (GRCh38, chr13:32,336,600, plus strand): 5'-ATAAAAGAAGAGGTCTTGGCTGCAGCATGTCACCCAGTACAACATTCAAAAGTGGAATAC[A>G]GTGATACTGACTTTCAATCCCAGAAAAGTCTTTTATATGATCATGAAAATGCCAGCACTC-3'
Protein context (NP_000050.3, residues 739-759): HPVQHSKVEY[Ser749Gly]DTDFQSQKSL